The following is an entry in ClinVar:

ClinVar aggregate classification (germline): Likely pathogenic (1 of 4 stars; one submission).

Conditions:
TH-deficient dopa-responsive dystonia. Also called: DYT-TH; Tyrosine Hydroxylase-Deficient Dopa-Responsive Dystonia; Segawa syndrome, autosomal recessive. Identifiers: Orphanet 101150, MedGen C2673535, MONDO:0011551, OMIM 605407.

Submission:

Labcorp Genetics (formerly Invitae), Labcorp
Classification: Likely pathogenic for TH-deficient dopa-responsive dystonia. Last evaluated: 2022-07-12. Review status: criteria provided, single submitter. Criteria: Invitae Variant Classification Sherloc (09022015). Collection method: clinical testing. Allele origin: unknown.
Comment: Variants that disrupt the consensus splice site are a relatively common cause of aberrant splicing (PMID: 17576681, 9536098). In summary, the currently available evidence indicates that the variant is pathogenic, but additional data are needed to prove that conclusively. Therefore, this variant has been classified as Likely Pathogenic. This variant disrupts the p.Gln412 amino acid residue in TH. Other variant(s) that disrupt this residue have been determined to be pathogenic (PMID: 7814018, 8528210, 8817341, 24753243, 26220941). This suggests that this residue is clinically significant, and that variants that disrupt this residue are likely to be disease-causing. This variant has not been reported in the literature in individuals affected with TH-related conditions. This variant results in the deletion of part of exons 11-13 (c.1197_1427+352del) of the TH gene. While this variant is not anticipated to result in nonsense mediated decay, it likely alters RNA splicing and results in a disrupted protein product.

Literature cited by the submitters: PubMed 17576681; PubMed 9536098; PubMed 7814018; PubMed 8528210; PubMed 8817341; PubMed 24753243; PubMed 26220941.

NC_000011.9:g.(?_2186110)_(2187232_?)del

Gene: TH (tyrosine hydroxylase; minus strand). Cytogenetic location: 11p15.5.
Variant type: Deletion.
Identifiers: ClinVar variation 3244627 (VCV003244627.1).